The following is an entry in ClinVar:

ClinVar aggregate classification (germline): Uncertain significance. Review status: criteria provided, multiple submitters, no conflicts (2 of 4 stars). 3 submissions from 3 submitters: Uncertain significance (3). Last evaluated 2025-09-09.

Conditions:
Congenital primary aphakia. Also called: ANTERIOR SEGMENT DYSGENESIS 2; Anterior segment dysgenesis 2, multiple subtypes. Identifiers: Orphanet 83461, MedGen C1853230, MONDO:0012456, OMIM 610256.
Anterior segment dysgenesis. Also called: Ocular anterior segment dysgenesis. Identifiers: Orphanet 88632, MedGen C1862839, MONDO:0019503, HP:0007700.
Cardiovascular phenotype. Identifiers: MedGen CN230736.

Allele frequency attached by ClinVar (database versions not stated): gnomAD exomes below 0.00001.
gnomAD v4.1: 2 of 1,407,588 alleles (0.00014%); highest among the groups gnomAD compares: Non-Finnish European, 0.00018%; no homozygotes.

Submissions (3):

Labcorp Genetics (formerly Invitae), Labcorp
Classification: Uncertain significance for Anterior segment dysgenesis; Congenital primary aphakia. Last evaluated: 2025-09-09. Review status: criteria provided, single submitter. Criteria: Invitae Variant Classification Sherloc (09022015). Collection method: clinical testing. Allele origin: germline.
Comment: This sequence change replaces valine, which is neutral and non-polar, with glutamic acid, which is acidic and polar, at codon 270 of the FOXE3 protein (p.Val270Glu). This variant is not present in population databases (gnomAD no frequency). This variant has not been reported in the literature in individuals affected with FOXE3-related conditions. ClinVar contains an entry for this variant (Variation ID: 2092269). Invitae Evidence Modeling of protein sequence and biophysical properties (such as structural, functional, and spatial information, amino acid conservation, physicochemical variation, residue mobility, and thermodynamic stability) indicates that this missense variant is not expected to disrupt FOXE3 protein function with a negative predictive value of 95%. In summary, the available evidence is currently insufficient to determine the role of this variant in disease. Therefore, it has been classified as a Variant of Uncertain Significance.

GeneDx
Classification: Uncertain significance. Last evaluated: 2024-10-29. Review status: criteria provided, single submitter. Criteria: GeneDx Variant Classification Process June 2021. Collection method: clinical testing. Allele origin: germline. Affected: yes.
Comment: Not observed at significant frequency in large population cohorts (gnomAD); In silico analysis indicates that this missense variant does not alter protein structure/function; Has not been previously published as pathogenic or benign to our knowledge

Ambry Genetics
Classification: Uncertain significance for Cardiovascular phenotype. Last evaluated: 2023-12-30. Review status: criteria provided, single submitter. Criteria: Ambry Variant Classification Scheme 2023. Collection method: clinical testing. Allele origin: germline.
Comment: The p.V270E variant (also known as c.809T>A), located in coding exon 1 of the FOXE3 gene, results from a T to A substitution at nucleotide position 809. The valine at codon 270 is replaced by glutamic acid, an amino acid with dissimilar properties. This amino acid position is conserved. In addition, this alteration is predicted to be tolerated by in silico analysis. Since supporting evidence is limited at this time, the clinical significance of this alteration remains unclear.

NM_012186.3(FOXE3):c.809T>A (p.Val270Glu)

Genes: FOXE3 (forkhead box E3; plus strand), LINC01389 (long independently transcribed non-coding RNA 1389; minus strand). Cytogenetic location: 1p33.
Variant type: single nucleotide variant.
Coding change: c.809T>A on transcript NM_012186.3 (MANE Select); coding-DNA position 809, T replaced by A.
Protein change: p.Val270Glu; replaces valine 270 with glutamic acid.
Molecular consequence: missense variant.
Genome position (GRCh38, 1-based): chr1:47,417,124, T>A. VCF-style: chr1-47417124-T-A. GRCh37 (hg19) VCF-style: chr1-47882796-T-A.
Other names: c.809T>A (NM_012186.2); short protein forms V270E.
Identifiers: ClinVar variation 2092269 (VCV002092269.6), dbSNP rs2124044494, ClinGen allele CA340250767.
Genomic context (GRCh38, chr1:47,417,124, plus strand): 5'-TCCCGCCCTGCGCTGCCGCCGCCTCCCCGCCACTCTACTCGCAGGTCCCCGACCGCCTGG[T>A]ACTGCCCGCGACGCGCCCCGGCCCCGGCCCGCTGCCCGCTGAGCCCCTCCTGGCCTTGGC-3'
Protein context (NP_036318.1, residues 260-280): PLYSQVPDRL[Val270Glu]LPATRPGPGP